The following is an entry in ClinVar:

ClinVar aggregate classification (germline): Pathogenic (1 of 4 stars; one submission).

Conditions:
Neurofibromatosis, type 1 (NF1). Also called: Peripheral type neurofibromatosis; VON RECKLINGHAUSEN DISEASE; Neurofibromatosis, type I; NEUROFIBROMATOSIS, TYPE I, SOMATIC. Identifiers: Orphanet 636, MedGen C0027831, MONDO:0018975, OMIM 162200. Disease mechanism: loss of function.

Submission:

Labcorp Genetics (formerly Invitae), Labcorp
Classification: Pathogenic for Neurofibromatosis, type 1. Last evaluated: 2023-06-06. Review status: criteria provided, single submitter. Criteria: Invitae Variant Classification Sherloc (09022015). Collection method: clinical testing. Allele origin: germline.
Comment: This sequence change creates a premature translational stop signal (p.Ala306Serfs*9) in the NF1 gene. It is expected to result in an absent or disrupted protein product. Loss-of-function variants in NF1 are known to be pathogenic (PMID: 10712197, 23913538). For these reasons, this variant has been classified as Pathogenic. This variant has not been reported in the literature in individuals affected with NF1-related conditions. This variant is not present in population databases (gnomAD no frequency).

Literature cited by the submitters: PubMed 10712197; PubMed 23913538.

NM_001042492.3(NF1):c.915dup (p.Ala306fs)

Gene: NF1 (neurofibromin 1; plus strand). Cytogenetic location: 17q11.2.
Variant type: Duplication.
Coding change: c.915dup on transcript NM_001042492.3 (MANE Select); coding-DNA position 915, one base duplicated (A; older notation c.915dupA).
Protein change: p.Ala306fs; shifts the reading frame from alanine 306.
Molecular consequence: frameshift variant.
Genome position (GRCh38, 1-based): chr17:31,200,448, A duplicated; the last of 4 consecutive A bases (chr17:31,200,445-31,200,448); duplicating any one gives the same sequence. VCF-style (leftmost placement, unchanged base first): chr17-31200444-G-GA. GRCh37 (hg19) VCF-style: chr17-29527462-G-GA.
Other names: c.915dup, p.Ala306Serfs (NM_000267.4); c.915dup, p.Ala306fs (NM_001128147.3); short protein forms A306fs.
Identifiers: ClinVar variation 2695677 (VCV002695677.3), dbSNP rs2544793392, ClinGen allele CA2697559668.